The following is an entry in ClinVar:

NM_006017.3(PROM1):c.2281A>C (p.Ile761Leu)

Gene: PROM1 (prominin 1; minus strand). Cytogenetic location: 4p15.32.
Variant type: single nucleotide variant.
Coding change: c.2281A>C on transcript NM_006017.3 (MANE Select); coding-DNA position 2281, A replaced by C.
Protein change: p.Ile761Leu; replaces isoleucine 761 with leucine.
Molecular consequence: missense variant. On other transcripts: non-coding transcript variant (2), intron variant (1).
Genome position (GRCh38, 1-based): chr4:15,984,355, T>G on the plus strand (A>C on the coding strand, the complement: PROM1 is on the minus strand). VCF-style: chr4-15984355-T-G. GRCh37 (hg19) VCF-style: chr4-15985978-T-G.
Other names: c.2254A>C, p.Ile752Leu (NM_001145847.2, NM_001145848.2, NM_001145851.2 and 4 more transcripts); c.2281A>C, p.Ile761Leu (NM_001145849.2, NM_001145850.2); c.2251A>C, p.Ile751Leu (NM_001441173.1); c.2170A>C, p.Ile724Leu (NM_001441174.1); c.2161A>C, p.Ile721Leu (NM_001441176.1); c.2149A>C, p.Ile717Leu (NM_001441177.1); c.2089A>C, p.Ile697Leu (NM_001441178.1); c.1915A>C, p.Ile639Leu (NM_001441179.1); and 1 more; short protein forms I639L, I721L, I724L, I751L, I697L, I752L, I717L, I761L.
Identifiers: ClinVar variation 4726600 (VCV004726600.1).

ClinVar aggregate classification (germline): Uncertain significance (1 of 4 stars; one submission).

Submission:

Labcorp Genetics (formerly Invitae), Labcorp
Classification: Uncertain significance. Last evaluated: 2025-11-11. Review status: criteria provided, single submitter. Criteria: Invitae Variant Classification Sherloc (09022015). Collection method: clinical testing. Allele origin: germline.
Comment: This sequence change replaces isoleucine, which is neutral and non-polar, with leucine, which is neutral and non-polar, at codon 761 of the PROM1 protein (p.Ile761Leu). This variant is not present in population databases (gnomAD no frequency). This variant has not been reported in the literature in individuals affected with PROM1-related conditions. An algorithm developed to predict the effect of missense changes on protein structure and function (PolyPhen-2) suggests that this variant is likely to be tolerated. Algorithms developed to predict the effect of sequence changes on RNA splicing suggest that this variant may disrupt the consensus splice site. In summary, the available evidence is currently insufficient to determine the role of this variant in disease. Therefore, it has been classified as a Variant of Uncertain Significance.